The following is an entry in ClinVar:

ClinVar aggregate classification (germline): Pathogenic (1 of 4 stars; one submission).

Conditions:
Cardiovascular phenotype. Identifiers: MedGen CN230736.

Submission:

Ambry Genetics
Classification: Pathogenic for Cardiovascular phenotype. Last evaluated: 2026-02-27. Review status: criteria provided, single submitter. Criteria: Ambry Variant Classification Scheme 2023. Collection method: clinical testing. Allele origin: germline.
Comment: The c.3481_3493del13 (p.S1161Wfs*24) alteration, located in exon 21 (coding exon 21) of the FLNC gene, consists of a deletion of 13 nucleotides from position 3481 to 3493, causing a translational frameshift with a predicted alternate stop codon after 24 amino acids. This variant is expected to result in loss of function by premature protein truncation or nonsense-mediated mRNA decay. for FLNC-related dilated cardiomyopathy; however, its clinical significance for FLNC-related hypertrophy/restrictive cardiomyopathy and/or skeletal myopathy is uncertain. This variant was not reported in population-based cohorts in the Genome Aggregation Database (gnomAD). Based on the available evidence, this alteration is classified as pathogenic.

NM_001458.5(FLNC):c.3481_3493del (p.Ser1161fs)

Gene: FLNC (filamin C; plus strand). Cytogenetic location: 7q32.1.
Variant type: Deletion.
Coding change: c.3481_3493del on transcript NM_001458.5 (MANE Select); coding-DNA positions 3481 to 3493, 13 bases deleted (AGTGGACCGGGCC).
Protein change: p.Ser1161fs; shifts the reading frame from serine 1161.
Molecular consequence: frameshift variant.
Genome position (GRCh38, 1-based): chr7:128,844,946-128,844,958, AGTGGACCGGGCC deleted; deleting any 13 consecutive bases within chr7:128,844,940-128,844,958 gives the same sequence; the c. name uses the placement nearest the transcript's 3' end. VCF-style (leftmost placement, unchanged base first): chr7-128844939-GCGGGCCAGTGGAC-G. GRCh37 (hg19) VCF-style: chr7-128484993-GCGGGCCAGTGGAC-G.
Other names: c.3481_3493del13 (NM_001458.4); c.3481_3493del, p.Ser1161fs (NM_001127487.2); short protein forms S1161fs.
Identifiers: ClinVar variation 4839836 (VCV004839836.1).